The following is an entry in ClinVar:

ClinVar aggregate classification (germline): Uncertain significance (1 of 4 stars; one submission).

gnomAD v4.1: 8 of 1,614,084 alleles (0.0005%); highest among the groups gnomAD compares: Middle Eastern, 0.016%; no homozygotes.

Submission:

CeGaT Center for Human Genetics Tuebingen
Classification: Uncertain significance. Last evaluated: 2025-04-01. Review status: criteria provided, single submitter. Criteria: CeGaT Center For Human Genetics Tuebingen Variant Classification Criteria Version 2. Collection method: clinical testing. Allele origin: germline. Affected: yes. Observed: 1 variant allele.
Comment: VCP: PP2

NM_007126.5(VCP):c.98A>G (p.Asn33Ser)

Gene: VCP (valosin containing protein; minus strand). Cytogenetic location: 9p13.3.
Variant type: single nucleotide variant.
Coding change: c.98A>G on transcript NM_007126.5 (MANE Select); coding-DNA position 98, A replaced by G.
Protein change: p.Asn33Ser; replaces asparagine 33 with serine.
Molecular consequence: missense variant. On other transcripts: 5 prime UTR variant (2).
Genome position (GRCh38, 1-based): chr9:35,068,282, T>C on the plus strand (A>G on the coding strand, the complement: VCP is on the minus strand). VCF-style: chr9-35068282-T-C. GRCh37 (hg19) VCF-style: chr9-35068279-T-C.
Other names: c.-38A>G (NM_001354927.2, NM_001354928.2); short protein forms N33S.
Identifiers: ClinVar variation 3898589 (VCV003898589.7).